The following is an entry in ClinVar:

NM_198282.4(STING1):c.259G>A (p.Ala87Thr)

Genes: STING1 (stimulator of interferon response cGAMP interactor 1; minus strand), LOC123522803 (Sharpr-MPRA regulatory region 11914; plus strand). Cytogenetic location: 5q31.2.
Variant type: single nucleotide variant.
Coding change: c.259G>A on transcript NM_198282.4 (MANE Select); coding-DNA position 259, G replaced by A.
Protein change: p.Ala87Thr; replaces alanine 87 with threonine.
Molecular consequence: missense variant. On other transcripts: 5 prime UTR variant (1).
Genome position (GRCh38, 1-based): chr5:139,481,311, C>T on the plus strand (G>A on the coding strand, the complement: STING1 is on the minus strand). VCF-style: chr5-139481311-C-T. GRCh37 (hg19) VCF-style: chr5-138860896-C-T.
Other names: c.259G>A, p.Ala87Thr (NM_001301738.2); c.-99G>A (NM_001367258.1); short protein forms A87T.
Identifiers: ClinVar variation 2694245 (VCV002694245.3), dbSNP rs1306838010, ClinGen allele CA361481526.
Genomic context (GRCh38, chr5:139,481,311, plus strand): 5'-AGTAGAAATAGATGGACAGCAGCAACAGGGCCCCACGGCGGAGGGGGCAGCCCAGGCAGG[C>T]CCGCACAGTCCTCCAGTAGCTGCCCCGGTACCTGTGAGTGACAGCCAGACCCCAGACCCC-3'
Protein context (NP_938023.1, residues 77-97): YRGSYWRTVR[Ala87Thr]CLGCPLRRGA

ClinVar aggregate classification (germline): Uncertain significance (1 of 4 stars; one submission).

Conditions:
STING-associated vasculopathy with onset in infancy. Also called: Sting-associated vasculopathy, infantile-onset. Identifiers: Orphanet 425120, MedGen C4014722, MONDO:0014405, OMIM 615934.

Submission:

Labcorp Genetics (formerly Invitae), Labcorp
Classification: Uncertain significance for STING-associated vasculopathy with onset in infancy. Last evaluated: 2024-10-29. Review status: criteria provided, single submitter. Criteria: Invitae Variant Classification Sherloc (09022015). Collection method: clinical testing. Allele origin: germline.
Comment: This sequence change replaces alanine, which is neutral and non-polar, with threonine, which is neutral and polar, at codon 87 of the TMEM173 protein (p.Ala87Thr). This variant is not present in population databases (gnomAD no frequency). This variant has not been reported in the literature in individuals affected with TMEM173-related conditions. ClinVar contains an entry for this variant (Variation ID: 2694245). Invitae Evidence Modeling of protein sequence and biophysical properties (such as structural, functional, and spatial information, amino acid conservation, physicochemical variation, residue mobility, and thermodynamic stability) has been performed for this missense variant. However, the output from this modeling did not meet the statistical confidence thresholds required to predict the impact of this variant on TMEM173 protein function. In summary, the available evidence is currently insufficient to determine the role of this variant in disease. Therefore, it has been classified as a Variant of Uncertain Significance.